The following is an entry in ClinVar:

NM_006129.5(BMP1):c.2233+165G>A

Gene: BMP1 (bone morphogenetic protein 1; plus strand). Cytogenetic location: 8p21.3.
Variant type: single nucleotide variant.
Coding change: c.2233+165G>A on transcript NM_006129.5 (MANE Select); 165 bases into the intron after coding-DNA position 2233, G replaced by A.
Molecular consequence: intron variant.
Genome position (GRCh38, 1-based): chr8:22,202,093, G>A. VCF-style: chr8-22202093-G-A. GRCh37 (hg19) VCF-style: chr8-22059606-G-A.
Identifiers: ClinVar variation 680516 (VCV000680516.2), dbSNP rs13257482, ClinGen allele CA12832953.
Genomic context (GRCh38, chr8:22,202,093, plus strand): 5'-TATGATCTCTAAGGCCCCCTCATTCCCCCACCCACCTGGTACATAGATCCTCCTCCCGCA[G>A]TGTCGGAGCCACACGCTCACTTCTGTTGCCCACATTAGGAGAGGAGGAGCTCACGGCTGC-3'

ClinVar aggregate classification (germline): Benign. Review status: criteria provided, multiple submitters, no conflicts (2 of 4 stars). 2 submissions from 2 submitters: Benign (2). Last evaluated 2018-06-19.

Allele frequency attached by ClinVar (database versions not stated): gnomAD 0.39349 and 0.40687; TOPMed 0.40972; 1000 Genomes Project 0.41094; 1000 Genomes Project 30x 0.42270.
gnomAD v4.1: 59,671 of 152,152 alleles (39%); highest among the groups gnomAD compares: African/African-American, 80%; 16,710 homozygotes.

Submissions (2):

GeneDx
Classification: Benign. Last evaluated: 2018-06-19. Review status: criteria provided, single submitter. Criteria: GeneDx Variant Classification (06012015). Collection method: clinical testing. Allele origin: germline. Affected: yes.
Comment: This variant is considered likely benign or benign based on one or more of the following criteria: it is a conservative change, it occurs at a poorly conserved position in the protein, it is predicted to be benign by multiple in silico algorithms, and/or has population frequency not consistent with disease.

Breakthrough Genomics
Classification: Benign. Review status: criteria provided, single submitter. Criteria: ACMG Guidelines, 2015. Collection method: not provided. Allele origin: germline. Inheritance: Autosomal recessive inheritance. Affected: yes.